The following is an entry in ClinVar:

ClinVar aggregate classification (germline): Uncertain significance. Review status: criteria provided, multiple submitters, no conflicts (2 of 4 stars). 3 submissions from 3 submitters: Uncertain significance (3). Last evaluated 2026-05-12.

Conditions:
NPHP4-related disorder. Also called: NPHP4-related disorders; NPHP4-related condition. Identifiers: MedGen CN239384.
Inborn genetic diseases. Identifiers: MedGen C0950123, MeSH D030342.
Nephronophthisis. Also called: Juvenile Nephronophthisis. Identifiers: Orphanet 655, MedGen C0687120, MONDO:0019005, HP:0000090.

gnomAD v4.1: 71 of 1,588,986 alleles (0.0045%); highest among the groups gnomAD compares: South Asian, 0.056%; 2 homozygotes.

Submissions (3):

PreventionGenetics, part of Exact Sciences
Classification: Uncertain significance for NPHP4-related condition. Last evaluated: 2026-05-12. Review status: criteria provided, single submitter. Criteria: ACMG Guidelines, 2015. Collection method: clinical testing. Allele origin: germline.
Comment: The NPHP4 c.3838G>A variant is predicted to result in the amino acid substitution p.Val1280Met. To our knowledge, this variant has not been reported in the literature. This variant is reported in 0.056% of alleles in individuals of South Asian descent in gnomAD. This variant could be benign. At this time, the clinical significance of this variant is uncertain due to the absence of conclusive functional and genetic evidence.

Ambry Genetics
Classification: Uncertain significance for Inborn genetic diseases. Last evaluated: 2025-03-03. Review status: criteria provided, single submitter. Criteria: Ambry Variant Classification Scheme 2023. Collection method: clinical testing. Allele origin: germline.

Labcorp Genetics (formerly Invitae), Labcorp
Classification: Uncertain significance for Nephronophthisis. Last evaluated: 2022-10-17. Review status: criteria provided, single submitter. Criteria: Invitae Variant Classification Sherloc (09022015). Collection method: clinical testing. Allele origin: germline.
Comment: In summary, the available evidence is currently insufficient to determine the role of this variant in disease. Therefore, it has been classified as a Variant of Uncertain Significance. Advanced modeling of protein sequence and biophysical properties (such as structural, functional, and spatial information, amino acid conservation, physicochemical variation, residue mobility, and thermodynamic stability) performed at Invitae indicates that this missense variant is not expected to disrupt NPHP4 protein function. ClinVar contains an entry for this variant (Variation ID: 1058994). This variant has not been reported in the literature in individuals affected with NPHP4-related conditions. This variant is present in population databases (rs751907566, gnomAD 0.06%). This sequence change replaces valine, which is neutral and non-polar, with methionine, which is neutral and non-polar, at codon 1280 of the NPHP4 protein (p.Val1280Met).

NM_015102.5(NPHP4):c.3838G>A (p.Val1280Met)

Gene: NPHP4 (nephrocystin 4; minus strand). Cytogenetic location: 1p36.31.
Variant type: single nucleotide variant.
Coding change: c.3838G>A on transcript NM_015102.5 (MANE Select); coding-DNA position 3838, G replaced by A.
Protein change: p.Val1280Met; replaces valine 1280 with methionine.
Molecular consequence: missense variant. On other transcripts: non-coding transcript variant (1).
Genome position (GRCh38, 1-based): chr1:5,864,496, C>T on the plus strand (G>A on the coding strand, the complement: NPHP4 is on the minus strand). VCF-style: chr1-5864496-C-T. GRCh37 (hg19) VCF-style: chr1-5924556-C-T.
Other names: c.2299G>A, p.Val767Met (NM_001291593.2); c.2302G>A, p.Val768Met (NM_001291594.2); c.3838G>A (NM_015102.3, NM_015102.4); short protein forms V1280M, V767M, V768M.
Identifiers: ClinVar variation 1058994 (VCV001058994.7), dbSNP rs751907566, ClinGen allele CA553444.
Genomic context (GRCh38, chr1:5,864,496, plus strand): 5'-TGCCGGCCCTAAGGGGCCTCACGCCAACATGCAGGTCCTGCACCCCACGAGGCGGCAGCA[C>T]GAAGACACCTTTGGGGTCTGTCTTCAAGAGCGAGAGAGGCGGGTCAGAGCACAGCCTCTC-3'
Protein context (NP_055917.1, residues 1270-1290): ELKTDPKGVF[Val1280Met]LPPRGVQDLH